The following is an entry in ClinVar:

NM_178031.3(TMEM132A):c.1677G>A (p.Leu559=)

Gene: TMEM132A (transmembrane protein 132A; plus strand). Cytogenetic location: 11q12.2.
Variant type: single nucleotide variant.
Coding change: c.1677G>A on transcript NM_178031.3 (MANE Select); coding-DNA position 1677, G replaced by A.
Protein change: p.Leu559=; no amino-acid change (leucine 559 retained).
Molecular consequence: synonymous variant.
Genome position (GRCh38, 1-based): chr11:60,934,605, G>A. VCF-style: chr11-60934605-G-A. GRCh37 (hg19) VCF-style: chr11-60702077-G-A.
Other names: c.1680G>A, p.Leu560= (NM_017870.4).
Identifiers: ClinVar variation 2641818 (VCV002641818.24), dbSNP rs772710922, ClinGen allele CA6028932.

ClinVar aggregate classification (germline): Likely benign (1 of 4 stars; one submission).

Allele frequency attached by ClinVar (database versions not stated): gnomAD 0.00001; gnomAD exomes 0.00002; TOPMed 0.00003; ExAC 0.00009.
gnomAD v4.1: 39 of 1,577,270 alleles (0.0025%); highest among the groups gnomAD compares: Admixed American, 0.012%; no homozygotes.

Submission:

CeGaT Center for Human Genetics Tuebingen
Classification: Likely benign. Last evaluated: 2023-02-01. Review status: criteria provided, single submitter. Criteria: CeGaT Center For Human Genetics Tuebingen Variant Classification Criteria Version 2. Collection method: clinical testing. Allele origin: germline. Affected: yes. Observed: 1 variant allele.
Comment: TMEM132A: BP4, BP7